The following is an entry in ClinVar:

ClinVar aggregate classification (germline): Uncertain significance (1 of 4 stars; one submission).

Conditions:
Inborn genetic diseases. Identifiers: MedGen C0950123, MeSH D030342.

Submission:

Ambry Genetics
Classification: Uncertain significance for Inborn genetic diseases. Last evaluated: 2025-10-09. Review status: criteria provided, single submitter. Criteria: Ambry Variant Classification Scheme 2023. Collection method: clinical testing. Allele origin: germline.
Comment: The p.L491F variant (also known as c.1473A>T), located in coding exon 11 of the CEP57 gene, results from an A to T substitution at nucleotide position 1473. The leucine at codon 491 is replaced by phenylalanine, an amino acid with highly similar properties. This amino acid position is conserved. In addition, this alteration is predicted to be tolerated by in silico analysis. Based on the available evidence, the clinical significance of this variant remains unclear.

NM_014679.5(CEP57):c.1473A>T (p.Leu491Phe)

Gene: CEP57 (centrosomal protein 57; plus strand). Cytogenetic location: 11q21.
Variant type: single nucleotide variant.
Coding change: c.1473A>T on transcript NM_014679.5 (MANE Select); coding-DNA position 1473, A replaced by T.
Protein change: p.Leu491Phe; replaces leucine 491 with phenylalanine.
Molecular consequence: missense variant.
Genome position (GRCh38, 1-based): chr11:95,831,226, A>T. VCF-style: chr11-95831226-A-T. GRCh37 (hg19) VCF-style: chr11-95564390-A-T.
Other names: c.1395A>T, p.Leu465Phe (NM_001243777.2); c.1392A>T, p.Leu464Phe (NM_001363604.2, NM_001440869.1, NM_001440870.1); c.1365A>T, p.Leu455Phe (NM_001440871.1); c.1356A>T, p.Leu452Phe (NM_001440872.1); c.1293A>T, p.Leu431Phe (NM_001440873.1); c.1287A>T, p.Leu429Phe (NM_001440874.1); c.1284A>T, p.Leu428Phe (NM_001440875.1); c.1278A>T, p.Leu426Phe (NM_001440876.1); and 6 more; short protein forms L390F, L404F, L428F, L465F, L416F, L426F, L429F, L392F.
Identifiers: ClinVar variation 4613503 (VCV004613503.1).